The following is an entry in ClinVar:

NM_001999.4(FBN2):c.3890G>A (p.Gly1297Asp)

Gene: FBN2 (fibrillin 2; minus strand). Cytogenetic location: 5q23.3.
Variant type: single nucleotide variant.
Coding change: c.3890G>A on transcript NM_001999.4 (MANE Select); coding-DNA position 3890, G replaced by A.
Protein change: p.Gly1297Asp; replaces glycine 1297 with aspartic acid.
Molecular consequence: missense variant.
Genome position (GRCh38, 1-based): chr5:128,335,253, C>T on the plus strand (G>A on the coding strand, the complement: FBN2 is on the minus strand). VCF-style: chr5-128335253-C-T. GRCh37 (hg19) VCF-style: chr5-127670945-C-T.
Other names: short protein forms G1297D.
Identifiers: ClinVar variation 2655682 (VCV002655682.24), dbSNP rs1051931616, ClinGen allele CA127008453.

ClinVar aggregate classification (germline): Uncertain significance (1 of 4 stars; one submission).

Submission:

CeGaT Center for Human Genetics Tuebingen
Classification: Uncertain significance. Last evaluated: 2022-09-01. Review status: criteria provided, single submitter. Criteria: CeGaT Center For Human Genetics Tuebingen Variant Classification Criteria Version 2. Collection method: clinical testing. Allele origin: germline. Affected: yes. Observed: 1 variant allele.
Comment: FBN2: PM2, PP3